The following is an entry in ClinVar:

NM_001283009.2(RTEL1):c.3238T>G (p.Leu1080Val)

Genes: RTEL1 (regulator of telomere elongation helicase 1; plus strand), RTEL1-TNFRSF6B (RTEL1-TNFRSF6B readthrough (NMD candidate); plus strand). Cytogenetic location: 20q13.33.
Variant type: single nucleotide variant.
Coding change: c.3238T>G on transcript NM_001283009.2 (MANE Select); coding-DNA position 3238, T replaced by G.
Protein change: p.Leu1080Val; replaces leucine 1080 with valine.
Molecular consequence: missense variant. On other transcripts: non-coding transcript variant (1).
Genome position (GRCh38, 1-based): chr20:63,694,869, T>G. VCF-style: chr20-63694869-T-G. GRCh37 (hg19) VCF-style: chr20-62326222-T-G.
Other names: c.2569T>G, p.Leu857Val (NM_001283010.1); c.3238T>G, p.Leu1080Val (NM_016434.4); c.3310T>G, p.Leu1104Val (NM_032957.5); short protein forms L1080V, L857V, L1104V.
Identifiers: ClinVar variation 2933441 (VCV002933441.3), dbSNP rs2145475291, ClinGen allele CA409685022.

ClinVar aggregate classification (germline): Uncertain significance (1 of 4 stars; one submission).

Conditions:
Pulmonary fibrosis and/or bone marrow failure, Telomere-related, 3. Also called: PULMONARY FIBROSIS AND/OR BONE MARROW FAILURE SYNDROME, TELOMERE-RELATED, 3. Identifiers: Orphanet 2032, MedGen C4225346, MONDO:0014613, OMIM 616373.
Dyskeratosis congenita, autosomal recessive 5 (DKCB5). Identifiers: MedGen C3554656, MONDO:0014076, OMIM 615190.

Submission:

Labcorp Genetics (formerly Invitae), Labcorp
Classification: Uncertain significance for Dyskeratosis congenita, autosomal recessive 5; Pulmonary fibrosis and/or bone marrow failure, Telomere-related, 3. Last evaluated: 2023-09-01. Review status: criteria provided, single submitter. Criteria: Invitae Variant Classification Sherloc (09022015). Collection method: clinical testing. Allele origin: germline.
Comment: In summary, the available evidence is currently insufficient to determine the role of this variant in disease. Therefore, it has been classified as a Variant of Uncertain Significance. An algorithm developed to predict the effect of missense changes on protein structure and function (PolyPhen-2) suggests that this variant is likely to be tolerated. This variant has not been reported in the literature in individuals affected with RTEL1-related conditions. This variant is not present in population databases (gnomAD no frequency). This sequence change replaces leucine, which is neutral and non-polar, with valine, which is neutral and non-polar, at codon 1080 of the RTEL1 protein (p.Leu1080Val).